The following is an entry in ClinVar:

ClinVar aggregate classification (germline): Uncertain significance (1 of 4 stars; one submission).

Allele frequency attached by ClinVar (database versions not stated): TOPMed below 0.00001; ExAC 0.00001; gnomAD 0.00001; gnomAD exomes 0.00001.

Submission:

Labcorp Genetics (formerly Invitae), Labcorp
Classification: Uncertain significance. Last evaluated: 2025-03-23. Review status: criteria provided, single submitter. Criteria: Invitae Variant Classification Sherloc (09022015). Collection method: clinical testing. Allele origin: germline.
Comment: This sequence change replaces alanine, which is neutral and non-polar, with threonine, which is neutral and polar, at codon 184 of the DSG1 protein (p.Ala184Thr). This variant is present in population databases (rs757446872, gnomAD 0.009%). This variant has not been reported in the literature in individuals affected with DSG1-related conditions. ClinVar contains an entry for this variant (Variation ID: 1472263). Invitae Evidence Modeling of protein sequence and biophysical properties (such as structural, functional, and spatial information, amino acid conservation, physicochemical variation, residue mobility, and thermodynamic stability) indicates that this missense variant is not expected to disrupt DSG1 protein function with a negative predictive value of 80%. In summary, the available evidence is currently insufficient to determine the role of this variant in disease. Therefore, it has been classified as a Variant of Uncertain Significance.

NM_001942.4(DSG1):c.550G>A (p.Ala184Thr)

Gene: DSG1 (desmoglein 1; plus strand). Cytogenetic location: 18q12.1.
Variant type: single nucleotide variant.
Coding change: c.550G>A on transcript NM_001942.4 (MANE Select); coding-DNA position 550, G replaced by A.
Protein change: p.Ala184Thr; replaces alanine 184 with threonine.
Molecular consequence: missense variant.
Genome position (GRCh38, 1-based): chr18:31,331,733, G>A. VCF-style: chr18-31331733-G-A. GRCh37 (hg19) VCF-style: chr18-28911696-G-A.
Other names: short protein forms A184T.
Identifiers: ClinVar variation 1472263 (VCV001472263.8), dbSNP rs757446872, ClinGen allele CA8925876.
Genomic context (GRCh38, chr18:31,331,733, plus strand): 5'-TTTGCAATCAATTTTCCTTAATTTCTAGATACACTGGTGATGATACTCAATGCTACTGAC[G>A]CAGATGAACCGAACAATTTGAACTCAAAAATAGCCTTCAAGATTATAAGACAAGAACCTT-3'
Protein context (NP_001933.2, residues 174-194): TLVMILNATD[Ala184Thr]DEPNNLNSKI